The following is an entry in ClinVar:

ClinVar aggregate classification (germline): Uncertain significance (1 of 4 stars; one submission).

gnomAD v4.1: 7 of 1,614,014 alleles (0.00043%); highest among the groups gnomAD compares: African/African-American, 0.0027%; no homozygotes.

Submission:

Labcorp Genetics (formerly Invitae), Labcorp
Classification: Uncertain significance. Last evaluated: 2025-12-23. Review status: criteria provided, single submitter. Criteria: Invitae Variant Classification Sherloc (09022015). Collection method: clinical testing. Allele origin: germline.
Comment: This sequence change replaces arginine, which is basic and polar, with histidine, which is basic and polar, at codon 34 of the IL21 protein (p.Arg34His). This variant is present in population databases (rs763638879, gnomAD 0.007%). This variant has not been reported in the literature in individuals affected with IL21-related conditions. ClinVar contains an entry for this variant (Variation ID: 3688218). An algorithm developed to predict the effect of missense changes on protein structure and function (PolyPhen-2) suggests that this variant is likely to be tolerated. In summary, the available evidence is currently insufficient to determine the role of this variant in disease. Therefore, it has been classified as a Variant of Uncertain Significance.

NM_021803.4(IL21):c.101G>A (p.Arg34His)

Genes: IL21 (interleukin 21; minus strand), IL21-AS1 (IL21 antisense RNA 1; plus strand), LOC126807147 (CDK7 strongly-dependent group 2 enhancer GRCh37_chr4:123541308-123542507; plus strand). Cytogenetic location: 4q27.
Variant type: single nucleotide variant.
Coding change: c.101G>A on transcript NM_021803.4 (MANE Select); coding-DNA position 101, G replaced by A.
Protein change: p.Arg34His; replaces arginine 34 with histidine.
Molecular consequence: missense variant. On other transcripts: non-coding transcript variant (1).
Genome position (GRCh38, 1-based): chr4:122,620,911, C>T on the plus strand (G>A on the coding strand, the complement: IL21 is on the minus strand). VCF-style: chr4-122620911-C-T. GRCh37 (hg19) VCF-style: chr4-123542066-C-T.
Other names: c.101G>A, p.Arg34His (NM_001207006.3); short protein forms R34H.
Identifiers: ClinVar variation 3688218 (VCV003688218.2).